The following is an entry in ClinVar:

NM_001206927.2(DNAH8):c.674A>G (p.Asn225Ser)

Gene: DNAH8 (dynein axonemal heavy chain 8; plus strand). Cytogenetic location: 6p21.2.
Variant type: single nucleotide variant.
Coding change: c.674A>G on transcript NM_001206927.2 (MANE Select); coding-DNA position 674, A replaced by G.
Protein change: p.Asn225Ser; replaces asparagine 225 with serine.
Molecular consequence: missense variant.
Genome position (GRCh38, 1-based): chr6:38,734,537, A>G. VCF-style: chr6-38734537-A-G. GRCh37 (hg19) VCF-style: chr6-38702313-A-G.
Other names: c.23A>G, p.Asn8Ser (NM_001371.4); short protein forms N8S, N225S.
Identifiers: ClinVar variation 662723 (VCV000662723.11), dbSNP rs548292757, ClinGen allele CA3788012.

ClinVar aggregate classification (germline): Uncertain significance (1 of 4 stars; one submission).

Conditions:
Primary ciliary dyskinesia. Also called: Ciliary dyskinesia. Identifiers: Orphanet 244, MedGen C0008780, MONDO:0016575, HP:0012265.

Allele frequency attached by ClinVar (database versions not stated): gnomAD 0.00001; gnomAD exomes 0.00001; ExAC 0.00002; 1000 Genomes Project 0.00020; 1000 Genomes Project 30x 0.00031.
gnomAD v4.1: 10 of 1,613,974 alleles (0.00062%); highest among the groups gnomAD compares: East Asian, 0.011%; no homozygotes.

Submission:

Labcorp Genetics (formerly Invitae), Labcorp
Classification: Uncertain significance for Primary ciliary dyskinesia. Last evaluated: 2022-02-05. Review status: criteria provided, single submitter. Criteria: Invitae Variant Classification Sherloc (09022015). Collection method: clinical testing. Allele origin: germline.
Comment: ClinVar contains an entry for this variant (Variation ID: 662723). This variant has not been reported in the literature in individuals affected with DNAH8-related conditions. This variant is present in population databases (rs548292757, gnomAD 0.006%). This sequence change replaces asparagine, which is neutral and polar, with serine, which is neutral and polar, at codon 225 of the DNAH8 protein (p.Asn225Ser). Algorithms developed to predict the effect of missense changes on protein structure and function output the following: SIFT: "Tolerated"; PolyPhen-2: "Not Available"; Align-GVGD: "Class C0". The serine amino acid residue is found in multiple mammalian species, which suggests that this missense change does not adversely affect protein function. In summary, the available evidence is currently insufficient to determine the role of this variant in disease. Therefore, it has been classified as a Variant of Uncertain Significance.